The following is an entry in ClinVar:

NM_004484.4(GPC3):c.113T>A (p.Val38Asp)

Gene: GPC3 (glypican 3; minus strand). Cytogenetic location: Xq26.2.
Variant type: single nucleotide variant.
Coding change: c.113T>A on transcript NM_004484.4 (MANE Select); coding-DNA position 113, T replaced by A.
Protein change: p.Val38Asp; replaces valine 38 with aspartic acid.
Molecular consequence: missense variant.
Genome position (GRCh38, 1-based): chrX:133,985,337, A>T on the plus strand (T>A on the coding strand, the complement: GPC3 is on the minus strand). VCF-style: chrX-133985337-A-T. GRCh37 (hg19) VCF-style: chrX-133119364-A-T.
Other names: c.113T>A, p.Val38Asp (NM_001164617.2, NM_001164618.2, NM_001164619.2); short protein forms V38D.
Identifiers: ClinVar variation 664429 (VCV000664429.9), dbSNP rs1602581095, ClinGen allele CA414707008.

ClinVar aggregate classification (germline): Uncertain significance (1 of 4 stars; one submission).

Conditions:
Wilms tumor 1 (WT1). Also called: Wilms tumor, somatic. Identifiers: Orphanet 654, MedGen CN033288, MONDO:0008679, OMIM 194070.

Submission:

Labcorp Genetics (formerly Invitae), Labcorp
Classification: Uncertain significance for Wilms tumor 1. Last evaluated: 2024-04-30. Review status: criteria provided, single submitter. Criteria: Invitae Variant Classification Sherloc (09022015). Collection method: clinical testing. Allele origin: germline.
Comment: This sequence change replaces valine, which is neutral and non-polar, with aspartic acid, which is acidic and polar, at codon 38 of the GPC3 protein (p.Val38Asp). This variant is not present in population databases (gnomAD no frequency). This variant has not been reported in the literature in individuals affected with GPC3-related conditions. ClinVar contains an entry for this variant (Variation ID: 664429). Advanced modeling of protein sequence and biophysical properties (such as structural, functional, and spatial information, amino acid conservation, physicochemical variation, residue mobility, and thermodynamic stability) performed at Invitae indicates that this missense variant is expected to disrupt GPC3 protein function with a positive predictive value of 80%. In summary, the available evidence is currently insufficient to determine the role of this variant in disease. Therefore, it has been classified as a Variant of Uncertain Significance.